The following is an entry in ClinVar:

ClinVar aggregate classification (germline): Uncertain significance (1 of 4 stars; one submission).

Conditions:
Ataxia-telangiectasia syndrome (AT). Also called: Cerebello-oculocutaneous telangiectasia; Immunodeficiency with ataxia telangiectasia; Ataxia-telangiectasia, complementation group E; Ataxia-telangiectasia, complementation group D; LOUIS-BAR SYNDROME; AT, COMPLEMENTATION GROUP C. Identifiers: Orphanet 100, MedGen C0004135, MONDO:0008840, OMIM 208900.

Submission:

Labcorp Genetics (formerly Invitae), Labcorp
Classification: Uncertain significance for Ataxia-telangiectasia syndrome. Last evaluated: 2024-10-14. Review status: criteria provided, single submitter. Criteria: Invitae Variant Classification Sherloc (09022015). Collection method: clinical testing. Allele origin: germline.
Comment: This sequence change replaces aspartic acid, which is acidic and polar, with glycine, which is neutral and non-polar, at codon 1367 of the ATM protein (p.Asp1367Gly). This variant is not present in population databases (gnomAD no frequency). This variant has not been reported in the literature in individuals affected with ATM-related conditions. Invitae Evidence Modeling of protein sequence and biophysical properties (such as structural, functional, and spatial information, amino acid conservation, physicochemical variation, residue mobility, and thermodynamic stability) indicates that this missense variant is not expected to disrupt ATM protein function with a negative predictive value of 95%. In summary, the available evidence is currently insufficient to determine the role of this variant in disease. Therefore, it has been classified as a Variant of Uncertain Significance.

NM_000051.4(ATM):c.4100A>G (p.Asp1367Gly)

Gene: ATM (ATM serine/threonine kinase; plus strand). Cytogenetic location: 11q22.3.
Variant type: single nucleotide variant.
Coding change: c.4100A>G on transcript NM_000051.4 (MANE Select); coding-DNA position 4100, A replaced by G.
Protein change: p.Asp1367Gly; replaces aspartic acid 1367 with glycine.
Molecular consequence: missense variant.
Genome position (GRCh38, 1-based): chr11:108,287,706, A>G. VCF-style: chr11-108287706-A-G. GRCh37 (hg19) VCF-style: chr11-108158433-A-G.
Other names: c.4100A>G, p.Asp1367Gly (NM_001351834.2); short protein forms D1367G.
Identifiers: ClinVar variation 2841057 (VCV002841057.3), dbSNP rs2135737890, ClinGen allele CA382528600.